The following is an entry in ClinVar:

NM_000132.4(F8):c.1636C>T (p.Arg546Trp)

Gene: F8 (coagulation factor VIII; minus strand). Cytogenetic location: Xq28.
Variant type: single nucleotide variant.
Coding change: c.1636C>T on transcript NM_000132.4 (MANE Select); coding-DNA position 1636, C replaced by T.
Protein change: p.Arg546Trp; replaces arginine 546 with tryptophan.
Molecular consequence: missense variant.
Genome position (GRCh38, 1-based): chrX:154,957,073, G>A on the plus strand (C>T on the coding strand, the complement: F8 is on the minus strand). VCF-style: chrX-154957073-G-A. GRCh37 (hg19) VCF-style: chrX-154185348-G-A.
Other names: F8, ARG527TRP; R527W; short protein forms R546W.
Identifiers: ClinVar variation 10222 (VCV000010222.23), dbSNP rs137852416, ClinGen allele CA255112.

ClinVar aggregate classification (germline): Pathogenic/Likely pathogenic. Review status: criteria provided, multiple submitters, no conflicts (2 of 4 stars). 9 submissions from 9 submitters: Pathogenic (5); Likely pathogenic (3). 1 of the submissions does not count toward it. Last evaluated 2025-03-20.

Conditions:
Factor VIII deficiency. Identifiers: MedGen C3494187, OMIM 134500.
Hereditary factor IX deficiency disease (HEMB). Also called: Christmas Disease; PLASMA THROMBOPLASTIN COMPONENT DEFICIENCY; Hemophilia B; F9 DEFICIENCY; FACTOR IX DEFICIENCY. Identifiers: Orphanet 98879, MedGen C0008533, MeSH D002836, MONDO:0010604, OMIM 306900.
Hereditary factor VIII deficiency disease (HEMA). Also called: AUTOSOMAL HEMOPHILIA A; Hemophilia A, congenital; HEM A; Factor 8 deficiency, congenital; Hemophilia A; HEMOPHILIA, CLASSIC. Identifiers: Orphanet 98878, MedGen C0019069, MONDO:0010602, OMIM 306700.

Allele frequency attached by ClinVar (database versions not stated): gnomAD exomes below 0.00001; ESP Exome Variant Server 0.00009.
gnomAD v4.1: 1 of 1,209,619 alleles (0.000083%); highest among the groups gnomAD compares: Non-Finnish European, 0.00011%; no homozygotes.

Submissions (9):

ARUP Laboratories, Molecular Genetics and Genomics, ARUP Laboratories
Classification: Pathogenic. Last evaluated: 2025-03-20. Review status: criteria provided, single submitter. Criteria: ARUP Molecular Germline Variant Investigation Process 2024. Collection method: clinical testing. Allele origin: germline.
Comment: The F8 c.1636C>T; p.Arg546Trp variant (rs137852416), also known as Arg527Trp, is reported in the literature in individuals with mild to moderate hemophilia A (Bogdanova 2007, Schwaab 1995, Factor VIII database and references therein). This variant is reported in more than 80 affected individuals in the Factor VIII database with clotting activity measurements ranging from 2.3% to 42% of normal. This variant is absent from the Genome Aggregation Database, indicating it is not a common polymorphism. The arginine at codon 546 is highly conserved, and computational analyses predict that this variant is deleterious (REVEL: 0.837). Based on available information, this variant is considered to be pathogenic. References: Factor VIII database: Bogdanova N et al. Spectrum of molecular defects and mutation detection rate in patients with mild and moderate hemophilia A. Hum Mutat. 2007 Jan;28(1):54-60. Schwaab R et al. Characterization of mutations within the factor VIII gene of 73 unrelated mild and moderate haemophiliacs. Br J Haematol. 1995 Oct;91(2):458-64.

Women's Health and Genetics/Laboratory Corporation of America, LabCorp
Classification: Pathogenic for Hereditary factor VIII deficiency disease. Last evaluated: 2024-07-03. Review status: criteria provided, single submitter. Criteria: LabCorp Variant Classification Summary - May 2015. Collection method: clinical testing. Allele origin: germline.
Comment: Variant summary: F8 c.1636C>T (p.Arg546Trp) results in a non-conservative amino acid change in the encoded protein sequence. Four of five in-silico tools predict a damaging effect of the variant on protein function. The variant was absent in 183428 control chromosomes (gnomAD). c.1636C>T has been reported in the literature in multiple individuals affected with Factor VIII Deficiency (Hemophilia A; e.g. Silva Pinto_2012, Rosset_2013). These data indicate that the variant is very likely to be associated with disease. To our knowledge, no experimental evidence demonstrating an impact on protein function has been reported. The following publications have been ascertained in the context of this evaluation (PMID: 21645180, 23711237). ClinVar contains an entry for this variant (Variation ID: 10222). Based on the evidence outlined above, the variant was classified as pathogenic.

North West Genomic Laboratory Hub, Manchester University NHS Foundation Trust
Classification: Likely pathogenic for Factor VIII deficiency. Last evaluated: 2024-01-24. Review status: criteria provided, single submitter. Criteria: ACGS Best Practice Guidelines for Variant Classification in Rare Disease 2020. Collection method: clinical testing. Allele origin: germline. Affected: yes.
Comment: PM2_Mod PS4_Mod PP3_Supp PP4_Mod

GeneDx
Classification: Pathogenic. Last evaluated: 2024-01-16. Review status: criteria provided, single submitter. Criteria: GeneDx Variant Classification Process June 2021. Collection method: clinical testing. Allele origin: germline. Affected: yes.
Comment: Not observed at significant frequency in large population cohorts (gnomAD); In silico analysis supports that this missense variant has a deleterious effect on protein structure/function; Also known as p.(R527W); This variant is associated with the following publications: (PMID: 18691168, 9439662, 34889362, 30997536, 1924291, 32224444, 7728145, 19473423, 31064749, 8547094, 7794769, 25212677, 34708896, 9886318, 11857744, 10404764, 8449505, 9029040, 11748850, 12871415, 16972227, 24452774, 16128892, 16769589, 17445092, 18540892, 34275734, 18565236)

3billion
Classification: Likely pathogenic for Hereditary factor VIII deficiency disease. Last evaluated: 2023-02-23. Review status: criteria provided, single submitter. Criteria: ACMG Guidelines, 2015. Collection method: clinical testing. Allele origin: unknown. Affected: yes.
Comment: The variant is not observed in the gnomAD v2.1.1 dataset. The variant is located in a mutational hot spot and/or well-established functional domain in which established pathogenic variants have been reported. In silico tool predictions suggest damaging effect of the variant on gene or gene product (REVEL: 0.84; 3Cnet: 0.84). Same nucleotide change resulting in same amino acid change has been previously reported as pathogenic/likely pathogenic with strong evidence (ClinVar ID: VCV000010222 / PMID: 1924291). Therefore, this variant is classified as Likely pathogenic according to the recommendation of ACMG/AMP guideline.

Laboratorio de Genetica e Diagnostico Molecular, Hospital Israelita Albert Einstein
Classification: Likely pathogenic for Hereditary factor VIII deficiency disease. Last evaluated: 2021-12-04. Review status: criteria provided, single submitter. Criteria: ACMG Guidelines, 2015. Collection method: clinical testing. Allele origin: germline. Affected: yes.
Comment: ACMG classification criteria: PS4 strong, PM2 moderate, PP3 supporting, PP4 supporting

Baylor Genetics
Classification: Pathogenic for Hereditary factor VIII deficiency disease. Last evaluated: 2021-02-09. Review status: criteria provided, single submitter. Criteria: ACMG Guidelines, 2015. Collection method: clinical testing. Allele origin: unknown.

NIHR Bioresource Rare Diseases, University of Cambridge
Classification: Pathogenic for Hereditary factor IX deficiency disease. Last evaluated: 2019-02-01. Review status: criteria provided, single submitter. Criteria: ACMG Guidelines, 2015. Collection method: research. Allele origin: unknown. Affected: yes. Observed: 1 hemizygote. Study: ThromboGenomics.

OMIM
Classification: Pathogenic for HEMOPHILIA A. Last evaluated: 1995-01-01. Review status: no assertion criteria provided. Collection method: literature only. Allele origin: germline. Not counted in ClinVar's aggregate classification.

Literature cited by the submitters: PubMed 21645180 (cited by Women's Health and Genetics/Laboratory Corporation of America, LabCorp); PubMed 23711237 (cited by Women's Health and Genetics/Laboratory Corporation of America, LabCorp); PubMed 1924291 (cited by 3billion and OMIM); PubMed 31064749 (cited by NIHR Bioresource Rare Diseases, University of Cambridge); PubMed 8449505 (cited by OMIM); PubMed 7728145 (cited by OMIM).